The following is an entry in ClinVar:

NM_000548.5(TSC2):c.2221-6C>T

Gene: TSC2 (TSC complex subunit 2; plus strand). Cytogenetic location: 16p13.3.
Variant type: single nucleotide variant.
Coding change: c.2221-6C>T on transcript NM_000548.5 (MANE Select); 6 bases into the intron before coding-DNA position 2221, C replaced by T.
Molecular consequence: intron variant.
Genome position (GRCh38, 1-based): chr16:2,072,843, C>T. VCF-style: chr16-2072843-C-T. GRCh37 (hg19) VCF-style: chr16-2122844-C-T.
Other names: c.2221-6C>T (NM_001114382.3, NM_021055.3, NM_001370405.1 and 3 more transcripts); c.2110-6C>T (NM_001318827.2); c.1621-6C>T (NM_001318831.2); c.2074-6C>T (NM_001318829.2); c.2254-6C>T (NM_001318832.2).
Identifiers: ClinVar variation 536019 (VCV000536019.13), dbSNP rs1555506823, ClinGen allele CA658798491.

ClinVar aggregate classification (germline): Conflicting classifications of pathogenicity. Review status: criteria provided, conflicting classifications (1 of 4 stars). 3 submissions from 3 submitters: Uncertain significance (1); Likely benign (2). Last evaluated 2025-05-19.

Conditions:
Hereditary cancer-predisposing syndrome. Also called: Neoplastic Syndromes, Hereditary; Tumor predisposition; Hereditary Cancer Syndrome; Hereditary neoplastic syndrome. Identifiers: Orphanet 140162, MedGen C0027672, MeSH D009386, MONDO:0015356.
Tuberous sclerosis 2 (TSC2). Identifiers: Orphanet 805, MedGen C1860707, MONDO:0013199, OMIM 613254.

Allele frequency attached by ClinVar (database versions not stated): gnomAD exomes below 0.00001.
gnomAD v4.1: 1 of 1,613,522 alleles (0.000062%); highest among the groups gnomAD compares: Non-Finnish European, 0.000085%; no homozygotes.

Submissions (3):

Myriad Genetics, Inc.
Classification: Likely benign for Tuberous sclerosis 2. Last evaluated: 2025-05-19. Review status: criteria provided, single submitter. Criteria: Myriad Autosomal Dominant, Autosomal Recessive and X-Linked Classification Criteria (2023). Collection method: clinical testing. Allele origin: unknown.
Comment: This variant is considered likely benign. This variant is intronic and is not expected to impact mRNA splicing.

Labcorp Genetics (formerly Invitae), Labcorp
Classification: Likely benign for Tuberous sclerosis 2. Last evaluated: 2024-08-01. Review status: criteria provided, single submitter. Criteria: Invitae Variant Classification Sherloc (09022015). Collection method: clinical testing. Allele origin: germline.

Sema4
Classification: Uncertain significance for Hereditary cancer-predisposing syndrome. Last evaluated: 2021-06-26. Review status: criteria provided, single submitter. Criteria: Sema4 Curation Guidelines. Collection method: curation. Allele origin: germline.
Comment: The TSC2 c.2221-6C>T variant has not been reported in the literature to our knowledge. It was not observed in the large and broad cohorts of the Genome Aggregation Database (PMID: 32461654). The variant has been reported in ClinVar (Variation ID 536019). Splice site prediction tools suggest the variant may not disrupt normal splicing, however these predictions have not been confirmed by published transcriptional studies. The evidence is insufficient to meet ACMG/AMP criteria for classifying the variant as benign or pathogenic. Thus, the clinical significance of this variant is currently uncertain.